The following is an entry in ClinVar:

NM_000702.4(ATP1A2):c.1133C>A (p.Thr378Asn)

Gene: ATP1A2 (ATPase Na+/K+ transporting subunit alpha 2; plus strand). Cytogenetic location: 1q23.2.
Variant type: single nucleotide variant.
Coding change: c.1133C>A on transcript NM_000702.4 (MANE Select); coding-DNA position 1133, C replaced by A.
Protein change: p.Thr378Asn; replaces threonine 378 with asparagine.
Molecular consequence: missense variant.
Genome position (GRCh38, 1-based): chr1:160,128,767, C>A. VCF-style: chr1-160128767-C-A. GRCh37 (hg19) VCF-style: chr1-160098557-C-A.
Other names: short protein forms T378N.
Identifiers: ClinVar variation 12921 (VCV000012921.9), dbSNP rs28934002, ClinGen allele CA122783.
Genomic context (GRCh38, chr1:160,128,767, plus strand): 5'-ACCTGGAGGCGGTGGAGACGCTGGGCTCCACGTCCACCATCTGCTCGGACAAGACGGGCA[C>A]CCTCACCCAGAACCGCATGACCGTCGCCCACATGTGGTTCGACAACCAAATCCATGAGGC-3'
Protein context (NP_000693.1, residues 368-388): TSTICSDKTG[Thr378Asn]LTQNRMTVAH

ClinVar aggregate classification (germline): Pathogenic/Likely pathogenic. Review status: criteria provided, multiple submitters, no conflicts (2 of 4 stars). 4 submissions from 4 submitters: Pathogenic (2); Likely pathogenic (1). 1 of the submissions does not count toward it. Last evaluated 2023-11-30.

Conditions:
ATP1A2-related disorder. Also called: ATP1A2-related condition; ATP1A2-RELATED DISORDERS.
Familial hemiplegic migraine. Identifiers: MedGen C0338484, MONDO:0000700.
Alternating hemiplegia of childhood 1 (AHC1). Identifiers: Orphanet 2131, MedGen C3549447, MONDO:0007087, OMIM 104290.

Submissions (4):

Rady Children's Institute for Genomic Medicine, Rady Children's Hospital San Diego
Classification: Pathogenic for ATP1A2-RELATED DISORDERS. Last evaluated: 2023-11-30. Review status: criteria provided, single submitter. Criteria: ACMG Guidelines, 2015. Collection method: clinical testing. Allele origin: germline. Affected: yes.
Comment: The ATP1A2 gene is constrained against missense variation (Z-score= 4.77), and missense variants are a common mechanism of disease (HGMD, ClinVar database; PMID: 34384358, 33711927). The c.1133C>A (p.Thr378Asn) variant affects a highly conserved amino acid and is predicted by multiple in silico tools to have a deleterious effect on protein function. This variant has been previously reported in as a heterozygous change in patients with alternating hemiplegia (PMID: 15174025, 15286158) and familial hemiplegic migraine (PMID: 34384358). Functional studies indicate this variant may lead to reduced Na+/K+-ATPase activity (PMID: 34384358, 15286158). The c.1133C>A (p.Thr378Asn) variant is absent from the gnomAD population database and thus is presumed to be rare. Based on the available evidence, c.1133C>A (p.Thr378Asn) is classified as Pathogenic.

Labcorp Genetics (formerly Invitae), Labcorp
Classification: Pathogenic for Familial hemiplegic migraine. Last evaluated: 2023-11-24. Review status: criteria provided, single submitter. Criteria: Invitae Variant Classification Sherloc (09022015). Collection method: clinical testing. Allele origin: germline.
Comment: This sequence change replaces threonine, which is neutral and polar, with asparagine, which is neutral and polar, at codon 378 of the ATP1A2 protein (p.Thr378Asn). This variant is not present in population databases (gnomAD no frequency). This missense change has been observed in individual(s) with alternating hemiplegia (PMID: 15174025, 15286158). It has also been observed to segregate with disease in related individuals. ClinVar contains an entry for this variant (Variation ID: 12921). Advanced modeling of protein sequence and biophysical properties (such as structural, functional, and spatial information, amino acid conservation, physicochemical variation, residue mobility, and thermodynamic stability) performed at Invitae indicates that this missense variant is expected to disrupt ATP1A2 protein function with a positive predictive value of 80%. Experimental studies have shown that this missense change affects ATP1A2 function (PMID: 15286158, 34384358). This variant disrupts the p.Thr378 amino acid residue in ATP1A2. Other variant(s) that disrupt this residue have been determined to be pathogenic (Invitae). This suggests that this residue is clinically significant, and that variants that disrupt this residue are likely to be disease-causing. For these reasons, this variant has been classified as Pathogenic.

Institute of Human Genetics, University of Leipzig Medical Center
Classification: Likely pathogenic for Alternating hemiplegia of childhood 1. Last evaluated: 2019-09-16. Review status: criteria provided, single submitter. Criteria: ACMG Guidelines, 2015. Collection method: clinical testing. Allele origin: de novo. Affected: yes. Observed: 1 variant allele.

OMIM
Classification: Pathogenic for ALTERNATING HEMIPLEGIA OF CHILDHOOD 1. Last evaluated: 2004-08-01. Review status: no assertion criteria provided. Collection method: literature only. Allele origin: germline. Not counted in ClinVar's aggregate classification.

Literature cited by the submitters: PubMed 34384358 (cited by Rady Children's Institute for Genomic Medicine, Rady Children's Hospital San Diego and Labcorp Genetics (formerly Invitae), Labcorp); 33711927 (cited by Rady Children's Institute for Genomic Medicine, Rady Children's Hospital San Diego); 15174025 (cited by Rady Children's Institute for Genomic Medicine, Rady Children's Hospital San Diego); 15286158 (cited by Rady Children's Institute for Genomic Medicine, Rady Children's Hospital San Diego); PubMed 15174025 (cited by Labcorp Genetics (formerly Invitae), Labcorp and OMIM); PubMed 15286158 (cited by Labcorp Genetics (formerly Invitae), Labcorp and OMIM); PubMed 14667076 (cited by OMIM).